The following is an entry in ClinVar:

ClinVar aggregate classification (germline): Conflicting classifications of pathogenicity. Review status: criteria provided, conflicting classifications (1 of 4 stars). 4 submissions from 4 submitters: Uncertain significance (3); Likely benign (1). Last evaluated 2025-09-17.

Conditions:
Hereditary cancer-predisposing syndrome. Also called: Hereditary neoplastic syndrome; Tumor predisposition; Hereditary Cancer Syndrome; Neoplastic Syndromes, Hereditary. Identifiers: Orphanet 140162, MedGen C0027672, MeSH D009386, MONDO:0015356.
Hereditary breast ovarian cancer syndrome. Also called: Hereditary breast and ovarian cancer syndrome (HBOC); Hereditary breast and ovarian cancer; BRCA1- and BRCA2-Associated Hereditary Breast and Ovarian Cancer; Breast and ovarian cancer; Hereditary breast and ovarian cancer syndrome; Hereditary breast and/or ovarian cancer syndrome. Identifiers: Orphanet 145, MedGen C0677776, MeSH D061325, MONDO:0003582. Disease mechanism: loss of function.
Breast-ovarian cancer, familial, susceptibility to, 1 (BROVCA1). Also called: OVARIAN CANCER, SUSCEPTIBILITY TO; BRCA1 Hereditary Breast and Ovarian Cancer. Identifiers: Orphanet 145, MedGen C2676676, MONDO:0011450, OMIM 604370. Disease mechanism: loss of function.

Submissions (4):

Myriad Genetics, Inc.
Classification: Likely benign for Breast-ovarian cancer, familial, susceptibility to, 1. Last evaluated: 2025-09-17. Review status: criteria provided, single submitter. Criteria: Myriad Autosomal Dominant, Autosomal Recessive and X-Linked Classification Criteria (2023). Collection method: clinical testing. Allele origin: unknown.
Comment: This variant is considered likely benign. This variant is strongly associated with less severe personal and family histories of cancer, typical for individuals without pathogenic variants in this gene [PMID: 25085752].

Color Diagnostics, LLC DBA Color Health
Classification: Uncertain significance for Hereditary cancer-predisposing syndrome. Last evaluated: 2025-07-28. Review status: criteria provided, single submitter. Criteria: ACMG Guidelines, 2015. Collection method: clinical testing. Allele origin: germline.
Comment: This missense variant replaces proline with leucine at codon 1502 of the BRCA1 protein. Computational prediction suggests that this variant may not impact protein structure and function. To our knowledge, functional studies have not been reported for this variant. This variant has not been reported in individuals affected with BRCA1-related disorders in the literature. This variant has not been identified in the general population by the Genome Aggregation Database (gnomAD). The available evidence is insufficient to determine the role of this variant in disease conclusively. Therefore, this variant is classified as a Variant of Uncertain Significance.

Ambry Genetics
Classification: Uncertain significance for Hereditary cancer-predisposing syndrome. Last evaluated: 2023-09-21. Review status: criteria provided, single submitter. Criteria: Ambry Variant Classification Scheme 2023. Collection method: clinical testing. Allele origin: germline.
Comment: The p.P1502L variant (also known as c.4505C>T), located in coding exon 13 of the BRCA1 gene, results from a C to T substitution at nucleotide position 4505. The proline at codon 1502 is replaced by leucine, an amino acid with similar properties. This amino acid position is conserved. In addition, this alteration is predicted to be tolerated by in silico analysis. Since supporting evidence is limited at this time, the clinical significance of this alteration remains unclear.

Labcorp Genetics (formerly Invitae), Labcorp
Classification: Uncertain significance for Hereditary breast ovarian cancer syndrome. Last evaluated: 2018-12-28. Review status: criteria provided, single submitter. Criteria: Invitae Variant Classification Sherloc (09022015). Collection method: clinical testing. Allele origin: germline.
Comment: Algorithms developed to predict the effect of missense changes on protein structure and function output the following: SIFT: "Tolerated"; PolyPhen-2: "Benign"; Align-GVGD: "Class C0". The leucine amino acid residue is found in multiple mammalian species, suggesting that this missense change does not adversely affect protein function. These predictions have not been confirmed by published functional studies and their clinical significance is uncertain. In summary, the available evidence is currently insufficient to determine the role of this variant in disease. Therefore, it has been classified as a Variant of Uncertain Significance. This variant has not been reported in the literature in individuals with BRCA1-related conditions. This variant is not present in population databases (ExAC no frequency). This sequence change replaces proline with leucine at codon 1502 of the BRCA1 protein (p.Pro1502Leu). The proline residue is weakly conserved and there is a moderate physicochemical difference between proline and leucine.

Literature cited by the submitters: PubMed 25085752 (cited by Myriad Genetics, Inc.).

NM_007294.4(BRCA1):c.4505C>T (p.Pro1502Leu)

Gene: BRCA1 (BRCA1 DNA repair associated; minus strand). Cytogenetic location: 17q21.31.
Variant type: single nucleotide variant.
Coding change: c.4505C>T on transcript NM_007294.4 (MANE Select); coding-DNA position 4505, C replaced by T.
Protein change: p.Pro1502Leu; replaces proline 1502 with leucine.
Molecular consequence: missense variant. On other transcripts: non-coding transcript variant (1).
Genome position (GRCh38, 1-based): chr17:43,074,501, G>A on the plus strand (C>T on the coding strand, the complement: BRCA1 is on the minus strand). VCF-style: chr17-43074501-G-A. GRCh37 (hg19) VCF-style: chr17-41226518-G-A.
Other names: c.4292C>T, p.Pro1431Leu (NM_001407571.1, NM_001407894.1, NM_001407895.1 and 12 more transcripts); c.4571C>T, p.Pro1524Leu (NM_001407581.1, NM_001407582.1); c.4568C>T, p.Pro1523Leu (NM_001407583.1, NM_001407585.1, NM_001407587.1 and 1 more transcripts); c.4565C>T, p.Pro1522Leu (NM_001407590.1, NM_001407591.1); c.4505C>T, p.Pro1502Leu (NM_001407593.1, NM_001407594.1, NM_001407596.1 and 8 more transcripts); c.4502C>T, p.Pro1501Leu (NM_001407610.1, NM_001407621.1, NM_001407622.1 and 17 more transcripts); c.4499C>T, p.Pro1500Leu (NM_001407627.1, NM_001407628.1, NM_001407629.1 and 14 more transcripts); c.4496C>T, p.Pro1499Leu (NM_001407644.1, NM_001407645.1); and 68 more; short protein forms P398L, P1455L, P1502L, P1523L, P1333L, P1375L, P1389L, P1430L.
Identifiers: ClinVar variation 644764 (VCV000644764.12), dbSNP rs56335406, ClinGen allele CA10592516.